The following is an entry in ClinVar:

NM_014476.6(PDLIM3):c.663-65T>C

Gene: PDLIM3 (PDZ and LIM domain 3; minus strand). Cytogenetic location: 4q35.1.
Variant type: single nucleotide variant.
Coding change: c.663-65T>C on transcript NM_014476.6 (MANE Select); 65 bases into the intron before coding-DNA position 663, T replaced by C.
Molecular consequence: intron variant.
Genome position (GRCh38, 1-based): chr4:185,506,717, A>G on the plus strand (T>C on the coding strand, the complement: PDLIM3 is on the minus strand). VCF-style: chr4-185506717-A-G. GRCh37 (hg19) VCF-style: chr4-186427871-A-G.
Other names: c.162-65T>C (NM_001257963.2); c.399-65T>C (NM_001257962.2); c.519-65T>C (NM_001114107.5).
Identifiers: ClinVar variation 671325 (VCV000671325.2), dbSNP rs2306706, ClinGen allele CA11711859.

ClinVar aggregate classification (germline): Benign. Review status: criteria provided, multiple submitters, no conflicts (2 of 4 stars). 2 submissions from 2 submitters: Benign (2). Last evaluated 2018-06-14.

Allele frequency attached by ClinVar (database versions not stated): gnomAD exomes 0.14621; gnomAD 0.16085 and 0.16354; TOPMed 0.17382; 1000 Genomes Project 30x 0.19644; 1000 Genomes Project 0.19788.
gnomAD v4.1: 225,349 of 1,513,950 alleles (15%); highest among the groups gnomAD compares: Middle Eastern, 28%; 18,010 homozygotes.

Submissions (2):

GeneDx
Classification: Benign. Last evaluated: 2018-06-14. Review status: criteria provided, single submitter. Criteria: GeneDx Variant Classification (06012015). Collection method: clinical testing. Allele origin: germline. Affected: yes.
Comment: This variant is considered likely benign or benign based on one or more of the following criteria: it is a conservative change, it occurs at a poorly conserved position in the protein, it is predicted to be benign by multiple in silico algorithms, and/or has population frequency not consistent with disease.

Breakthrough Genomics
Classification: Benign. Review status: criteria provided, single submitter. Criteria: ACMG Guidelines, 2015. Collection method: not provided. Allele origin: germline. Inheritance: Unknown mechanism. Affected: yes.